The following is an entry in ClinVar:

NM_001363711.2(DUOX2):c.2354C>A (p.Ala785Asp)

Gene: DUOX2 (dual oxidase 2; minus strand). Cytogenetic location: 15q21.1.
Variant type: single nucleotide variant.
Coding change: c.2354C>A on transcript NM_001363711.2 (MANE Select); coding-DNA position 2354, C replaced by A.
Protein change: p.Ala785Asp; replaces alanine 785 with aspartic acid.
Molecular consequence: missense variant.
Genome position (GRCh38, 1-based): chr15:45,104,346, G>T on the plus strand (C>A on the coding strand, the complement: DUOX2 is on the minus strand). VCF-style: chr15-45104346-G-T. GRCh37 (hg19) VCF-style: chr15-45396544-G-T.
Other names: c.2354C>A (NM_014080.4); c.2354C>A, p.Ala785Asp (NM_014080.5); short protein forms A785D.
Identifiers: ClinVar variation 2972727 (VCV002972727.4), dbSNP rs761484669, ClinGen allele CA392269859.

ClinVar aggregate classification (germline): Uncertain significance. Review status: criteria provided, multiple submitters, no conflicts (2 of 4 stars). 2 submissions from 2 submitters: Uncertain significance (2). Last evaluated 2025-02-21.

Conditions:
Inborn genetic diseases. Identifiers: MedGen C0950123, MeSH D030342.

gnomAD v4.1: 3 of 1,613,760 alleles (0.00019%); highest among the groups gnomAD compares: Middle Eastern, 0.017%; no homozygotes.

Submissions (2):

Ambry Genetics
Classification: Uncertain significance for Inborn genetic diseases. Last evaluated: 2025-02-21. Review status: criteria provided, single submitter. Criteria: Ambry Variant Classification Scheme 2023. Collection method: clinical testing. Allele origin: germline.

Labcorp Genetics (formerly Invitae), Labcorp
Classification: Uncertain significance. Last evaluated: 2024-10-24. Review status: criteria provided, single submitter. Criteria: Invitae Variant Classification Sherloc (09022015). Collection method: clinical testing. Allele origin: germline.
Comment: This sequence change replaces alanine, which is neutral and non-polar, with aspartic acid, which is acidic and polar, at codon 785 of the DUOX2 protein (p.Ala785Asp). This variant is present in population databases (no rsID available, gnomAD 0.006%). This variant has not been reported in the literature in individuals affected with DUOX2-related conditions. Invitae Evidence Modeling of protein sequence and biophysical properties (such as structural, functional, and spatial information, amino acid conservation, physicochemical variation, residue mobility, and thermodynamic stability) indicates that this missense variant is not expected to disrupt DUOX2 protein function with a negative predictive value of 80%. In summary, the available evidence is currently insufficient to determine the role of this variant in disease. Therefore, it has been classified as a Variant of Uncertain Significance.